The following is an entry in ClinVar:

ClinVar aggregate classification (germline): Conflicting classifications of pathogenicity. Review status: criteria provided, conflicting classifications (1 of 4 stars). 9 submissions from 8 submitters: Uncertain significance (2); Benign (3); Likely benign (3). 1 of the submissions does not count toward it. Last evaluated 2026-06-05.

Conditions:
PDE6B-related disorder. Also called: PDE6B-related disease; PDE6B-related condition; PDE6B-related disorders.
Retinal dystrophy. Also called: Inherited retinal dystrophy. Identifiers: Orphanet 71862, MedGen C0854723, MeSH D058499, MONDO:0019118, HP:0000556.
Retinitis pigmentosa (RP). Identifiers: Orphanet 791, MedGen C0035334, MeSH D012174, MONDO:0019200, OMIM 268000. Inheritance: Autosomal dominant, autosomal recessive and X linked inheritance.
Congenital stationary night blindness autosomal dominant 2. Also called: NIGHT BLINDNESS, CONGENITAL STATIONARY, RAMBUSCH TYPE. Identifiers: Orphanet 215, MedGen C1876182, MONDO:0008099, OMIM 163500.

Allele frequency attached by ClinVar (database versions not stated): ExAC 0.00004; gnomAD exomes 0.00008 and 0.00100; gnomAD 0.00070 and 0.00077; 1000 Genomes Project 0.01597; ESP Exome Variant Server 0.04336.
gnomAD v4.1: 1,401 of 1,446,012 alleles (0.097%); highest among the groups gnomAD compares: Non-Finnish European, 0.13%; 3 homozygotes.

Submissions (9):

PreventionGenetics, part of Exact Sciences
Classification: Uncertain significance for PDE6B-related condition. Last evaluated: 2026-06-05. Review status: criteria provided, single submitter. Criteria: ACMG Guidelines, 2015. Collection method: clinical testing. Allele origin: germline.
Comment: The PDE6B c.1401+4C>T variant is predicted to interfere with splicing. This variant has been reported in the heterozygous state in an individual with retinal dystrophy (Table S3, Mihalich et al. 2024. PubMed ID: 38927702). This variant is present in 0.049% of alleles in individuals of European (Non-Finnish) descent in gnomAD. At this time, the clinical significance of this variant is uncertain due to the absence of conclusive functional and genetic evidence.

Labcorp Genetics (formerly Invitae), Labcorp
Classification: Benign. Last evaluated: 2026-01-19. Review status: criteria provided, single submitter. Criteria: Invitae Variant Classification Sherloc (09022015). Collection method: clinical testing. Allele origin: germline.

CeGaT Center for Human Genetics Tuebingen
Classification: Likely benign. Last evaluated: 2026-01-01. Review status: criteria provided, single submitter. Criteria: CeGaT Center For Human Genetics Tuebingen Variant Classification Criteria Version 2. Collection method: clinical testing. Allele origin: germline. Affected: yes. Observed: 2 variant alleles.
Comment: PDE6B: BP4, BS2

Blueprint Genetics
Classification: Likely benign. Last evaluated: 2023-08-28. Review status: criteria provided, single submitter. Criteria: ACMG Guidelines, 2015. Collection method: clinical testing. Allele origin: germline.

GeneDx
Classification: Benign. Last evaluated: 2019-08-05. Review status: criteria provided, single submitter. Criteria: GeneDx Variant Classification Process June 2021. Collection method: clinical testing. Allele origin: germline. Affected: yes.
Comment: This variant is associated with the following publications: (PMID: 31981491)

Illumina Laboratory Services, Illumina
Classification: Likely benign for Congenital stationary night blindness autosomal dominant 2. Last evaluated: 2018-01-12. Review status: criteria provided, single submitter. Criteria: ICSL Variant Classification Criteria 13 December 2019. Collection method: clinical testing. Allele origin: germline.
Comment: This variant was observed in the ICSL laboratory as part of a predisposition screen in an ostensibly healthy population. It had not been previously curated by ICSL or reported in the Human Gene Mutation Database (HGMD: prior to June 1st, 2018), and was therefore a candidate for classification through an automated scoring system. Utilizing variant allele frequency, disease prevalence and penetrance estimates, and inheritance mode, an automated score was calculated to assess if this variant is too frequent to cause the disease. Based on the score and internal cut-off values, a variant classified as likely benign is not then subjected to further curation. The score for this variant resulted in a classification of likely benign for this disease.

Illumina Laboratory Services, Illumina
Classification: Uncertain significance for Retinitis pigmentosa. Last evaluated: 2018-01-12. Review status: criteria provided, single submitter. Criteria: ICSL Variant Classification Criteria 13 December 2019. Collection method: clinical testing. Allele origin: germline.

Eurofins Ntd Llc (ga)
Classification: Benign. Last evaluated: 2013-12-17. Review status: criteria provided, single submitter. Criteria: EGL Classification Definitions 2015. Collection method: clinical testing. Allele origin: germline. Observed: 2 variant alleles, 2 heterozygotes.

Institute of Human Genetics, Univ. Regensburg, Univ. Regensburg
Classification: Uncertain significance for Retinal dystrophy. Last evaluated: 2022-01-01. Review status: no assertion criteria provided. Criteria: ACMG Guidelines, 2015. Collection method: clinical testing. Allele origin: germline. Affected: yes. Not counted in ClinVar's aggregate classification.

NM_000283.4(PDE6B):c.1401+4C>T

Gene: PDE6B (phosphodiesterase 6B; plus strand). Cytogenetic location: 4p16.3.
Variant type: single nucleotide variant.
Coding change: c.1401+4C>T on transcript NM_000283.4 (MANE Select); 4 bases into the intron after coding-DNA position 1401, C replaced by T.
Molecular consequence: intron variant.
Genome position (GRCh38, 1-based): chr4:657,498, C>T. VCF-style: chr4-657498-C-T. GRCh37 (hg19) VCF-style: chr4-651287-C-T.
Other names: c.1401+4C>T (NM_001145291.2); c.564+4C>T (NM_001379246.1, NM_001379247.1, NM_001145292.2 and 1 more transcripts); c.246+4C>T (NM_001350155.3).
Identifiers: ClinVar variation 167438 (VCV000167438.28), dbSNP rs113246945, ClinGen allele CA180277.